The following is an entry in ClinVar:

ClinVar aggregate classification (germline): Uncertain significance (1 of 4 stars; one submission).

Submission:

Ambry Genetics
Classification: Uncertain significance. Last evaluated: 2026-07-05. Review status: criteria provided, single submitter. Criteria: Ambry Variant Classification Scheme 2023. Collection method: clinical testing. Allele origin: germline.
Comment: The p.C1031S variant (also known as c.3092G>C), located in coding exon 1 of the MLH3 gene, results from a G to C substitution at nucleotide position 3092. The cysteine at codon 1031 is replaced by serine, an amino acid with dissimilar properties. This amino acid position is conserved. In addition, this alteration is predicted to be tolerated by in silico analysis. Based on the available evidence, the clinical significance of this variant remains unclear.

NM_001040108.2(MLH3):c.3092G>C (p.Cys1031Ser)

Gene: MLH3 (mutL homolog 3; minus strand). Cytogenetic location: 14q24.3.
Variant type: single nucleotide variant.
Coding change: c.3092G>C on transcript NM_001040108.2 (MANE Select); coding-DNA position 3092, G replaced by C.
Protein change: p.Cys1031Ser; replaces cysteine 1031 with serine.
Molecular consequence: missense variant.
Genome position (GRCh38, 1-based): chr14:75,046,564, C>G on the plus strand (G>C on the coding strand, the complement: MLH3 is on the minus strand). VCF-style: chr14-75046564-C-G. GRCh37 (hg19) VCF-style: chr14-75513267-C-G.
Other names: c.3092G>C, p.Cys1031Ser (NM_014381.3); short protein forms C1031S.
Identifiers: ClinVar variation 5024587 (VCV005024587.1).